The following is an entry in ClinVar:

NM_016579.4(CD320):c.800C>T (p.Ala267Val)

Gene: CD320 (CD320 molecule; minus strand). Cytogenetic location: 19p13.2.
Variant type: single nucleotide variant.
Coding change: c.800C>T on transcript NM_016579.4 (MANE Select); coding-DNA position 800, C replaced by T.
Protein change: p.Ala267Val; replaces alanine 267 with valine.
Molecular consequence: missense variant.
Genome position (GRCh38, 1-based): chr19:8,302,512, G>A on the plus strand (C>T on the coding strand, the complement: CD320 is on the minus strand). VCF-style: chr19-8302512-G-A. GRCh37 (hg19) VCF-style: chr19-8367396-G-A.
Other names: c.674C>T, p.Ala225Val (NM_001165895.2); short protein forms A267V, A225V.
Identifiers: ClinVar variation 2916804 (VCV002916804.3), dbSNP rs201869951, ClinGen allele CA9154603.

ClinVar aggregate classification (germline): Uncertain significance (1 of 4 stars; one submission).

Conditions:
Methylmalonic acidemia due to transcobalamin receptor defect (MATR). Also called: METHYLMALONIC ACIDEMIA, TCblR TYPE; METHYLMALONIC ACIDURIA, TRANSIENT, DUE TO TRANSCOBALAMIN RECEPTOR DEFECT. Identifiers: Orphanet 280183, MedGen C4749905, MONDO:0013341, OMIM 613646.

Allele frequency attached by ClinVar (database versions not stated): gnomAD exomes below 0.00001; TOPMed 0.00001; ExAC 0.00002; gnomAD 0.00003; 1000 Genomes Project 0.00060; 1000 Genomes Project 30x 0.00078.

Submission:

Labcorp Genetics (formerly Invitae), Labcorp
Classification: Uncertain significance for Methylmalonic acidemia due to transcobalamin receptor defect. Last evaluated: 2023-12-25. Review status: criteria provided, single submitter. Criteria: Invitae Variant Classification Sherloc (09022015). Collection method: clinical testing. Allele origin: germline.
Comment: This sequence change replaces alanine, which is neutral and non-polar, with valine, which is neutral and non-polar, at codon 267 of the CD320 protein (p.Ala267Val). This variant is present in population databases (rs201869951, gnomAD 0.02%). This variant has not been reported in the literature in individuals affected with CD320-related conditions. Algorithms developed to predict the effect of missense changes on protein structure and function output the following: SIFT: "Not Available"; PolyPhen-2: "Benign"; Align-GVGD: "Not Available". The valine amino acid residue is found in multiple mammalian species, which suggests that this missense change does not adversely affect protein function. In summary, the available evidence is currently insufficient to determine the role of this variant in disease. Therefore, it has been classified as a Variant of Uncertain Significance.